The following is an entry in ClinVar:

NM_003000.3(SDHB):c.598T>G (p.Trp200Gly)

Gene: SDHB (succinate dehydrogenase complex iron sulfur subunit B; minus strand). Cytogenetic location: 1p36.13.
Variant type: single nucleotide variant.
Coding change: c.598T>G on transcript NM_003000.3 (MANE Select); coding-DNA position 598, T replaced by G.
Protein change: p.Trp200Gly; replaces tryptophan 200 with glycine.
Molecular consequence: missense variant.
Genome position (GRCh38, 1-based): chr1:17,024,017, A>C on the plus strand (T>G on the coding strand, the complement: SDHB is on the minus strand). VCF-style: chr1-17024017-A-C. GRCh37 (hg19) VCF-style: chr1-17350512-A-C.
Other names: c.544T>G, p.Trp182Gly (NM_001407361.1); short protein forms W182G, W200G.
Identifiers: ClinVar variation 2942599 (VCV002942599.3), dbSNP rs1557739966, ClinGen allele CA338271072.
Genomic context (GRCh38, chr1:17,024,017, plus strand): 5'-TTAAGGAGCACCTCACCTGCATAAGAACTGCAGGCCCCAGATATTTGTCTCCGTTCCACC[A>C]GTAGCTGGGGCAGCTGGTGCTACAGCAGGCACAGAGAATGCACTCGTAGAGCCCGTCCTG-3'
Protein context (NP_002991.2, residues 190-210): ACCSTSCPSY[Trp200Gly]WNGDKYLGPA

ClinVar aggregate classification (germline): Uncertain significance (1 of 4 stars; one submission).

Conditions:
Pheochromocytoma. Also called: MAX-Related Hereditary Paraganglioma-Pheochromocytoma Syndrome. Identifiers: Orphanet 29072, MedGen C0031511, MONDO:0008233, OMIM 171300, HP:0002666.
Gastrointestinal stromal tumor. Also called: Gastrointestinal stromal tumor, somatic; Gastrointestinal stroma tumor. Identifiers: Orphanet 44890, MedGen C0238198, MeSH D046152, MONDO:0011719, OMIM 606764, HP:0100723.
Pheochromocytoma/paraganglioma syndrome 4. Also called: CAROTID BODY TUMORS AND MULTIPLE EXTRAADRENAL PHEOCHROMOCYTOMAS; PARAGANGLIOMA, FAMILIAL MALIGNANT; PARAGANGLIOMAS, HEREDITARY EXTRAADRENAL; PHEOCHROMOCYTOMA, FAMILIAL EXTRAADRENAL; Paragangliomas 4; SDHB-Related Hereditary Paraganglioma-Pheochromocytoma Syndrome (Paragangliomas 4). Identifiers: Orphanet 29072, MedGen C1861848, MONDO:0007273, OMIM 115310.

Submission:

Labcorp Genetics (formerly Invitae), Labcorp
Classification: Uncertain significance for Gastrointestinal stromal tumor; Pheochromocytoma/paraganglioma syndrome 4; Pheochromocytoma. Last evaluated: 2022-12-22. Review status: criteria provided, single submitter. Criteria: Invitae Variant Classification Sherloc (09022015). Collection method: clinical testing. Allele origin: germline.
Comment: This sequence change replaces tryptophan, which is neutral and slightly polar, with glycine, which is neutral and non-polar, at codon 200 of the SDHB protein (p.Trp200Gly). This variant is not present in population databases (gnomAD no frequency). This variant has not been reported in the literature in individuals affected with SDHB-related conditions. Advanced modeling of protein sequence and biophysical properties (such as structural, functional, and spatial information, amino acid conservation, physicochemical variation, residue mobility, and thermodynamic stability) performed at Invitae indicates that this missense variant is expected to disrupt SDHB protein function. This variant disrupts the p.Trp200 amino acid residue in SDHB. Other variant(s) that disrupt this residue have been determined to be pathogenic (PMID: 17143317, 17200167, 18382370, 19184535, 19802898, 20119652, 21173220). This suggests that this residue is clinically significant, and that variants that disrupt this residue are likely to be disease-causing. In summary, the available evidence is currently insufficient to determine the role of this variant in disease. Therefore, it has been classified as a Variant of Uncertain Significance.

Literature cited by the submitters: PubMed 17143317; PubMed 17200167; PubMed 18382370; PubMed 19184535; PubMed 19802898; PubMed 20119652; PubMed 21173220.